The following is an entry in ClinVar:

ClinVar aggregate classification (germline): Likely pathogenic. Review status: criteria provided, multiple submitters, no conflicts (2 of 4 stars). 2 submissions from 2 submitters: Likely pathogenic (2). Last evaluated 2025-10-03.

Conditions:
Bartter disease type 2. Also called: HYPERPROSTAGLANDIN E SYNDROME 2; HYPOKALEMIC ALKALOSIS WITH HYPERCALCIURIA 2, ANTENATAL; Bartter syndrome, type 2, antenatal. Identifiers: Orphanet 112, Orphanet 620220, MedGen C1855849, MONDO:0009424, OMIM 241200.
KCNJ1-related disorders.

gnomAD v4.1: 11 of 1,614,142 alleles (0.00068%); highest among the groups gnomAD compares: Non-Finnish European, 0.00093%; no homozygotes.

Submissions (2):

Rare Kidney Stone Consortium and the Mayo Clinic Hyperoxaluria Center, Mayo Clinic
Classification: Likely pathogenic for Bartter disease type 2. Last evaluated: 2025-10-03. Review status: criteria provided, single submitter. Criteria: ACMG Guidelines, 2015. Collection method: research. Allele origin: germline. Affected: yes. Observed: 2 variant alleles.
Comment: ACMG:PM1, PM2, PM3, PP1, PP2

Blueprint Genetics
Classification: Likely pathogenic for KCNJ1-related disorders. Last evaluated: 2020-01-29. Review status: criteria provided, single submitter. Criteria: ACMG Guidelines, 2015. Collection method: clinical testing. Allele origin: germline. Affected: yes. Observed: 1 variant allele.

Literature cited by the submitters: PubMed 40794449 (cited by Rare Kidney Stone Consortium and the Mayo Clinic Hyperoxaluria Center, Mayo Clinic).

NM_153766.3(KCNJ1):c.949A>G (p.Lys317Glu)

Gene: KCNJ1 (potassium inwardly rectifying channel subfamily J member 1; minus strand). Cytogenetic location: 11q24.3.
Variant type: single nucleotide variant.
Coding change: c.949A>G on transcript NM_153766.3 (MANE Select); coding-DNA position 949, A replaced by G.
Protein change: p.Lys317Glu; replaces lysine 317 with glutamic acid.
Molecular consequence: missense variant.
Genome position (GRCh38, 1-based): chr11:128,839,295, T>C on the plus strand (A>G on the coding strand, the complement: KCNJ1 is on the minus strand). VCF-style: chr11-128839295-T-C. GRCh37 (hg19) VCF-style: chr11-128709190-T-C.
Other names: c.1006A>G, p.Lys336Glu (NM_000220.6); c.949A>G, p.Lys317Glu (NM_153764.3, NM_153767.4); c.1000A>G, p.Lys334Glu (NM_153765.3); short protein forms K317E, K334E, K336E.
Identifiers: ClinVar variation 4526798 (VCV004526798.2).